The following is an entry in ClinVar:

NM_022552.5(DNMT3A):c.2312G>A (p.Arg771Gln)

Gene: DNMT3A (DNA methyltransferase 3 alpha; minus strand). Cytogenetic location: 2p23.3.
Variant type: single nucleotide variant.
Coding change: c.2312G>A on transcript NM_022552.5 (MANE Select); coding-DNA position 2312, G replaced by A.
Protein change: p.Arg771Gln; replaces arginine 771 with glutamine.
Molecular consequence: missense variant. On other transcripts: non-coding transcript variant (1).
Genome position (GRCh38, 1-based): chr2:25,240,312, C>T on the plus strand (G>A on the coding strand, the complement: DNMT3A is on the minus strand). VCF-style: chr2-25240312-C-T. GRCh37 (hg19) VCF-style: chr2-25463181-C-T.
Other names: c.2312G>A, p.Arg771Gln (NM_175629.2); c.1856G>A, p.Arg619Gln (NM_001320893.1); c.1643G>A, p.Arg548Gln (NM_001375819.1); c.1745G>A, p.Arg582Gln (NM_153759.3); short protein forms R582Q, R771Q, R619Q, R548Q.
Identifiers: ClinVar variation 438287 (VCV000438287.7), dbSNP rs757823678, ClinGen allele CA1555657.

ClinVar aggregate classification (germline): Pathogenic/Likely pathogenic. Review status: criteria provided, multiple submitters, no conflicts (2 of 4 stars). 5 submissions from 5 submitters: Pathogenic (1); Likely pathogenic (3). 1 of the submissions does not count toward it. Last evaluated 2025-09-10.

Conditions:
Inborn genetic diseases. Identifiers: MedGen C0950123, MeSH D030342.
Tatton-Brown-Rahman overgrowth syndrome. Also called: Tatton-Brown-Rahman syndrome; Tall stature-intellectual disability-facial dysmorphism syndrome. Identifiers: Orphanet 404443, MedGen C4014545, MONDO:0014382, OMIM 615879.
Acute myeloid leukemia (AML). Also called: Leukemia, acute myeloid, somatic; Leukemia, acute myelogenous, somatic; Acute myeloid leukemia, adult; AML adult; Acute non-lymphocytic leukemia; Acute granulocytic leukemia. Identifiers: Orphanet 519, MedGen C0023467, MeSH D015470, MONDO:0018874, OMIM 601626, HP:0004808. Disease mechanism: Constitutively activated FLT3.
Heyn-Sproul-Jackson syndrome. Also called: MICROCEPHALY, SHORT STATURE, AND IMPAIRED INTELLECTUAL DEVELOPMENT. Identifiers: Orphanet 658595, MedGen C5231475, MONDO:0032882, OMIM 618724.

Allele frequency attached by ClinVar (database versions not stated): gnomAD exomes below 0.00001; ExAC 0.00002.
gnomAD v4.1: 20 of 1,613,944 alleles (0.0012%); highest among the groups gnomAD compares: East Asian, 0.0022%; no homozygotes.

Submissions (5):

Genomic Medicine Center of Excellence, King Faisal Specialist Hospital and Research Centre
Classification: Likely pathogenic for Tatton-Brown-Rahman overgrowth syndrome. Last evaluated: 2025-09-10. Review status: criteria provided, single submitter. Criteria: ACMG Guidelines, 2015. Collection method: clinical testing. Allele origin: germline.

3billion
Classification: Likely pathogenic for Tatton-Brown-Rahman overgrowth syndrome. Last evaluated: 2023-07-10. Review status: criteria provided, single submitter. Criteria: ACMG Guidelines, 2015. Collection method: clinical testing. Allele origin: germline. Affected: yes.
Comment: The variant is observed at an extremely low frequency in the gnomAD v2.1.1 dataset (total allele frequency: <0.001%). Predicted Consequence/Location: Missense variant In silico tool predictions suggest damaging effect of the variant on gene or gene product (REVEL: 0.90; 3Cnet: 0.92). Same nucleotide change resulting in same amino acid change has been previously reported to be associated with DNMT3A related disorder (ClinVar ID: VCV000438287 /PMID: 27701732). The variant has been reported to co-segregate with the disease in at least 3 similarly affected relatives/individuals in the same family or similarly affected unrelated families (PMID: 27701732). A different missense change at the same codon (p.Arg771Gly) has been reported to be associated with DNMT3A related disorder (ClinVar ID: VCV001709413). Therefore, this variant is classified as Likely pathogenic according to the recommendation of ACMG/AMP guideline.

Ambry Genetics
Classification: Pathogenic for Inborn genetic diseases. Last evaluated: 2017-11-21. Review status: criteria provided, single submitter. Criteria: Ambry exome assertion method (8-5-2015). Collection method: clinical testing. Allele origin: germline. Affected: yes. Observed: 1 variant allele.

Juno Genomics, Hangzhou Juno Genomics, Inc
Classification: Likely pathogenic for Acute myeloid leukemia; Heyn-Sproul-Jackson syndrome; Tatton-Brown-Rahman overgrowth syndrome. Review status: criteria provided, single submitter. Criteria: ACMG Guidelines, 2015. Collection method: clinical testing. Allele origin: germline. Affected: yes.
Comment: Absent from controls (or at extremely low frequency if recessive) in Genome Aggregation Database, Exome Sequencing Project, 1000 Genomes Project, or Exome Aggregation Consortium.;Multiple lines of computational evidence support a deleterious effect on the gene or gene product (conservation, evolutionary, splicing impact, etc).;The prevalence of the variant in affected individuals is significantly increased compared to the prevalence in controls.;Assumed de novo, but without confirmation of paternity and maternity.;Co-segregation with disease in multiple affected family members in a gene definitively known to cause the disease.

Molecular Genetics Laboratory, BC Children's and BC Women's Hospitals
Classification: Likely pathogenic for Tatton-Brown-Rahman overgrowth syndrome. Last evaluated: 2016-11-30. Review status: no assertion criteria provided. Criteria: ACMG Guidelines, 2015. Collection method: clinical testing. Allele origin: de novo. Affected: yes. Not counted in ClinVar's aggregate classification.

Literature cited by the submitters: PubMed 27701732 (cited by 3billion and Ambry Genetics); PubMed 28941052 (cited by Ambry Genetics).